The following is an entry in ClinVar:

ClinVar aggregate classification (germline): Pathogenic/Likely pathogenic. Review status: criteria provided, multiple submitters, no conflicts (2 of 4 stars). 3 submissions from 3 submitters: Pathogenic (1); Likely pathogenic (1). 1 of the submissions does not count toward it. Last evaluated 2025-09-02.

Conditions:
Ornithine carbamoyltransferase deficiency (OTCD). Also called: ORNITHINE TRANSCARBAMYLASE DEFICIENCY, HYPERAMMONEMIA DUE TO; ORNITHINE TRANSCARBAMYLASE DEFICIENCY; OTC DEFICIENCY; Ornithine Carbamoyltransferase Deficiency Disease. Identifiers: Orphanet 664, MedGen C0268542, MONDO:0010703, OMIM 311250.

Submissions (3):

Labcorp Genetics (formerly Invitae), Labcorp
Classification: Pathogenic for Ornithine carbamoyltransferase deficiency. Last evaluated: 2025-09-02. Review status: criteria provided, single submitter. Criteria: Invitae Variant Classification Sherloc (09022015). Collection method: clinical testing. Allele origin: germline.
Comment: This sequence change replaces isoleucine, which is neutral and non-polar, with threonine, which is neutral and polar, at codon 53 of the OTC protein (p.Ile53Thr). This variant is not present in population databases (gnomAD no frequency). This missense change has been observed in individual(s) with ornithine transcarbamylase deficiency (PMID: 16786505, 34014569; external communication, internal data). ClinVar contains an entry for this variant (Variation ID: 97122). Invitae Evidence Modeling of protein sequence and biophysical properties (such as structural, functional, and spatial information, amino acid conservation, physicochemical variation, residue mobility, and thermodynamic stability) indicates that this missense variant is expected to disrupt OTC protein function with a positive predictive value of 95%. This variant disrupts the p.Ile53 amino acid residue in OTC. Other variant(s) that disrupt this residue have been observed in individuals with OTC-related conditions (PMID: 11793468), which suggests that this may be a clinically significant amino acid residue. For these reasons, this variant has been classified as Pathogenic.

Revvity Omics, Revvity
Classification: Likely pathogenic for Ornithine carbamoyltransferase deficiency. Last evaluated: 2025-01-13. Review status: criteria provided, single submitter. Criteria: ACMG Guidelines, 2015. Collection method: clinical testing. Allele origin: germline.

GenMed Metabolism Lab
Classification: Pathogenic. Review status: no assertion criteria provided. Collection method: not provided. Allele origin: unknown. Not counted in ClinVar's aggregate classification.
Comment: p.Ile53Thr, Late
ClinVar note: Converted during submission from pathogenic to Pathogenic.

Literature cited by the submitters: PubMed 16786505 (cited by Labcorp Genetics (formerly Invitae), Labcorp); PubMed 34014569 (cited by Labcorp Genetics (formerly Invitae), Labcorp); PubMed 11793468 (cited by Labcorp Genetics (formerly Invitae), Labcorp).

NM_000531.6(OTC):c.158T>C (p.Ile53Thr)

Gene: OTC (ornithine transcarbamylase; plus strand). Cytogenetic location: Xp11.4.
Variant type: single nucleotide variant.
Coding change: c.158T>C on transcript NM_000531.6 (MANE Select); coding-DNA position 158, T replaced by C.
Protein change: p.Ile53Thr; replaces isoleucine 53 with threonine.
Molecular consequence: missense variant.
Genome position (GRCh38, 1-based): chrX:38,367,371, T>C. VCF-style: chrX-38367371-T-C. GRCh37 (hg19) VCF-style: chrX-38226624-T-C.
Other names: short protein forms I53T.
Identifiers: ClinVar variation 97122 (VCV000097122.12), dbSNP rs66677059, ClinGen allele CA224482.